The following is an entry in ClinVar:

NM_016507.4(CDK12):c.1075A>T (p.Ser359Cys)

Gene: CDK12 (cyclin dependent kinase 12; plus strand). Cytogenetic location: 17q12.
Variant type: single nucleotide variant.
Coding change: c.1075A>T on transcript NM_016507.4 (MANE Select); coding-DNA position 1075, A replaced by T.
Protein change: p.Ser359Cys; replaces serine 359 with cysteine.
Molecular consequence: missense variant.
Genome position (GRCh38, 1-based): chr17:39,470,907, A>T. VCF-style: chr17-39470907-A-T. GRCh37 (hg19) VCF-style: chr17-37627160-A-T.
Other names: c.1075A>T, p.Ser359Cys (NM_015083.4); short protein forms S359C.
Identifiers: ClinVar variation 3830779 (VCV003830779.1).

ClinVar aggregate classification (germline): Uncertain significance (1 of 4 stars; one submission).

Submission:

Ambry Genetics
Classification: Uncertain significance. Last evaluated: 2025-03-08. Review status: criteria provided, single submitter. Criteria: Ambry Variant Classification Scheme 2023. Collection method: clinical testing. Allele origin: germline.
Comment: The p.S359C variant (also known as c.1075A>T), located in coding exon 2 of the CDK12 gene, results from an A to T substitution at nucleotide position 1075. The serine at codon 359 is replaced by cysteine, an amino acid with dissimilar properties. This amino acid position is conserved. In addition, the in silico prediction for this alteration is inconclusive. Based on the available evidence, the clinical significance of this variant remains unclear.